The following is an entry in ClinVar:

NM_000057.4(BLM):c.735A>C (p.Glu245Asp)

Gene: BLM (BLM RecQ like helicase; plus strand). Cytogenetic location: 15q26.1.
Variant type: single nucleotide variant.
Coding change: c.735A>C on transcript NM_000057.4 (MANE Select); coding-DNA position 735, A replaced by C.
Protein change: p.Glu245Asp; replaces glutamic acid 245 with aspartic acid.
Molecular consequence: missense variant. On other transcripts: 5 prime UTR variant (1).
Genome position (GRCh38, 1-based): chr15:90,750,003, A>C. VCF-style: chr15-90750003-A-C. GRCh37 (hg19) VCF-style: chr15-91293233-A-C.
Other names: c.735A>C, p.Glu245Asp (NM_001287246.2, NM_001287247.2); c.-557A>C (NM_001287248.2); short protein forms E245D.
Identifiers: ClinVar variation 4867496 (VCV004867496.1).

ClinVar aggregate classification (germline): Uncertain significance (1 of 4 stars; one submission).

Conditions:
Hereditary cancer-predisposing syndrome. Also called: Neoplastic Syndromes, Hereditary; Tumor predisposition; Hereditary Cancer Syndrome; Hereditary neoplastic syndrome. Identifiers: Orphanet 140162, MedGen C0027672, MeSH D009386, MONDO:0015356.

Submission:

Ambry Genetics
Classification: Uncertain significance for Hereditary cancer-predisposing syndrome. Last evaluated: 2026-04-28. Review status: criteria provided, single submitter. Criteria: Ambry Variant Classification Scheme 2023. Collection method: clinical testing. Allele origin: germline.
Comment: The p.E245D variant (also known as c.735A>C), located in coding exon 2 of the BLM gene, results from an A to C substitution at nucleotide position 735. The glutamic acid at codon 245 is replaced by aspartic acid, an amino acid with highly similar properties. This amino acid position is conserved. In addition, this alteration is predicted to be tolerated by in silico analysis. Based on the available evidence, the clinical significance of this variant remains unclear.